The following is an entry in ClinVar:

NM_000297.4(PKD2):c.179G>A (p.Arg60Gln)

Genes: PKD2 (polycystin 2, transient receptor potential cation channel; plus strand), LOC129992813 (ATAC-STARR-seq lymphoblastoid silent region 15559; plus strand). Cytogenetic location: 4q22.1.
Variant type: single nucleotide variant.
Coding change: c.179G>A on transcript NM_000297.4 (MANE Select); coding-DNA position 179, G replaced by A.
Protein change: p.Arg60Gln; replaces arginine 60 with glutamine.
Molecular consequence: missense variant. On other transcripts: non-coding transcript variant (1).
Genome position (GRCh38, 1-based): chr4:88,007,912, G>A. VCF-style: chr4-88007912-G-A. GRCh37 (hg19) VCF-style: chr4-88929064-G-A.
Other names: short protein forms R60Q.
Identifiers: ClinVar variation 3682991 (VCV003682991.2).

ClinVar aggregate classification (germline): Uncertain significance (1 of 4 stars; one submission).

Conditions:
Autosomal dominant polycystic kidney disease. Identifiers: Orphanet 730, MedGen C0085413, MONDO:0004691.

gnomAD v4.1: 2 of 1,431,978 alleles (0.00014%); highest among the groups gnomAD compares: Non-Finnish European, 0.000092%; no homozygotes.

Submission:

Labcorp Genetics (formerly Invitae), Labcorp
Classification: Uncertain significance for Autosomal dominant polycystic kidney disease. Last evaluated: 2024-10-30. Review status: criteria provided, single submitter. Criteria: Invitae Variant Classification Sherloc (09022015). Collection method: clinical testing. Allele origin: germline.
Comment: This sequence change replaces arginine, which is basic and polar, with glutamine, which is neutral and polar, at codon 60 of the PKD2 protein (p.Arg60Gln). This variant is not present in population databases (gnomAD no frequency). This variant has not been reported in the literature in individuals affected with PKD2-related conditions. An algorithm developed to predict the effect of missense changes on protein structure and function (PolyPhen-2) suggests that this variant is likely to be disruptive. In summary, the available evidence is currently insufficient to determine the role of this variant in disease. Therefore, it has been classified as a Variant of Uncertain Significance.